The following is an entry in ClinVar:

NM_001039591.3(USP9X):c.2876C>T (p.Ser959Leu)

Gene: USP9X (ubiquitin specific peptidase 9 X-linked; plus strand). Cytogenetic location: Xp11.4.
Variant type: single nucleotide variant.
Coding change: c.2876C>T on transcript NM_001039591.3 (MANE Select); coding-DNA position 2876, C replaced by T.
Protein change: p.Ser959Leu; replaces serine 959 with leucine.
Molecular consequence: missense variant.
Genome position (GRCh38, 1-based): chrX:41,170,234, C>T. VCF-style: chrX-41170234-C-T. GRCh37 (hg19) VCF-style: chrX-41029487-C-T.
Other names: c.2876C>T, p.Ser959Leu (NM_001039590.3); short protein forms S959L.
Identifiers: ClinVar variation 1700742 (VCV001700742.4), dbSNP rs1057518174, ClinGen allele CA412758928.
Genomic context (GRCh38, chrX:41,170,234, plus strand): 5'-AGCTGATAGATCCTGCAGATGATAGAAAGTTGATTGGACAATTAAACTTAAAAGATAAAT[C>T]GGTATGTATGTATAGTTAACAGATTTTTCAATAAAATCAAACCAGAGACTATCGTTTAAT-3'
Protein context (NP_001034680.2, residues 949-969): LIGQLNLKDK[Ser959Leu]LITAKLTQIS

ClinVar aggregate classification (germline): Uncertain significance. Review status: criteria provided, multiple submitters, no conflicts (2 of 4 stars). 2 submissions from 2 submitters: Uncertain significance (2). Last evaluated 2024-10-29.

Allele frequency attached by ClinVar (database versions not stated): gnomAD exomes 0.00001.
gnomAD v4.1: 6 of 1,206,643 alleles (0.0005%); highest among the groups gnomAD compares: Non-Finnish European, 0.00056%; no homozygotes.

Submissions (2):

Women's Health and Genetics/Laboratory Corporation of America, LabCorp
Classification: Uncertain significance. Last evaluated: 2024-10-29. Review status: criteria provided, single submitter. Criteria: LabCorp Variant Classification Summary - May 2015. Collection method: clinical testing. Allele origin: germline.
Comment: Variant summary: USP9X c.2876C>T (p.Ser959Leu) results in a non-conservative amino acid change located in the UBP24/USP9X/USP9Y, ubiquitin-like domain (IPR055176) of the encoded protein sequence near the exon 19 / intron 19 5' splice donor site. Three of five in-silico tools predict a benign effect of the variant on protein function. Consensus agreement among computation tools predict no significant impact on normal splicing. However, these predictions have yet to be confirmed by functional studies. The variant was absent in 178890 control chromosomes. The available data on variant occurrences in the general population are insufficient to allow any conclusion about variant significance. To our knowledge, no occurrence of c.2876C>T in individuals affected with Mental Retardation, X-Linked 99 and no experimental evidence demonstrating its impact on protein function have been reported. ClinVar contains an entry for this variant (Variation ID: 1700742). Based on the evidence outlined above, the variant was classified as uncertain significance.

GeneDx
Classification: Uncertain significance. Last evaluated: 2024-08-06. Review status: criteria provided, single submitter. Criteria: GeneDx Variant Classification Process June 2021. Collection method: clinical testing. Allele origin: germline. Affected: yes.
Comment: Not observed at significant frequency in large population cohorts (gnomAD); In silico analysis indicates that this missense variant does not alter protein structure/function; Has not been previously published as pathogenic or benign to our knowledge